The following is an entry in ClinVar:

ClinVar aggregate classification (germline): Uncertain significance (1 of 4 stars; one submission).

Submission:

Labcorp Genetics (formerly Invitae), Labcorp
Classification: Uncertain significance. Last evaluated: 2023-12-22. Review status: criteria provided, single submitter. Criteria: Invitae Variant Classification Sherloc (09022015). Collection method: clinical testing. Allele origin: unknown.
Comment: This sequence change falls in intron 2 of the TRPM1 gene. It does not directly change the encoded amino acid sequence of the TRPM1 protein. This variant has not been reported in the literature in individuals affected with TRPM1-related conditions. Experimental studies and prediction algorithms are not available or were not evaluated, and the effect of this variant on mRNA splicing is currently unknown. In summary, the available evidence is currently insufficient to determine the role of this variant in disease. Therefore, it has been classified as a Variant of Uncertain Significance.

NC_000015.9:g.(?_31362442)_(31366324_?)del

Gene: TRPM1 (transient receptor potential cation channel subfamily M member 1; minus strand). Cytogenetic location: 15q13.3.
Variant type: Deletion.
Identifiers: ClinVar variation 3243871 (VCV003243871.1).